The following is an entry in ClinVar:

ClinVar aggregate classification (germline): Uncertain significance (1 of 4 stars; one submission).

Allele frequency attached by ClinVar (database versions not stated): gnomAD exomes below 0.00001.
gnomAD v4.1: 1 of 1,614,126 alleles (0.000062%); highest among the groups gnomAD compares: Non-Finnish European, 0.000085%; no homozygotes.

Submission:

Labcorp Genetics (formerly Invitae), Labcorp
Classification: Uncertain significance. Last evaluated: 2021-11-30. Review status: criteria provided, single submitter. Criteria: Invitae Variant Classification Sherloc (09022015). Collection method: clinical testing. Allele origin: germline.
Comment: In summary, the available evidence is currently insufficient to determine the role of this variant in disease. Therefore, it has been classified as a Variant of Uncertain Significance. Algorithms developed to predict the effect of sequence changes on RNA splicing suggest that this variant may create or strengthen a splice site. Algorithms developed to predict the effect of missense changes on protein structure and function are either unavailable or do not agree on the potential impact of this missense change (SIFT: "Tolerated"; PolyPhen-2: "Possibly Damaging"; Align-GVGD: "Class C0"). This variant has not been reported in the literature in individuals affected with HMCN1-related conditions. This variant is not present in population databases (gnomAD no frequency). This sequence change replaces alanine, which is neutral and non-polar, with valine, which is neutral and non-polar, at codon 5373 of the HMCN1 protein (p.Ala5373Val).

NM_031935.3(HMCN1):c.16118C>T (p.Ala5373Val)

Gene: HMCN1 (hemicentin 1; plus strand). Cytogenetic location: 1q31.1.
Variant type: single nucleotide variant.
Coding change: c.16118C>T on transcript NM_031935.3 (MANE Select); coding-DNA position 16118, C replaced by T.
Protein change: p.Ala5373Val; replaces alanine 5373 with valine.
Molecular consequence: missense variant.
Genome position (GRCh38, 1-based): chr1:186,178,590, C>T. VCF-style: chr1-186178590-C-T. GRCh37 (hg19) VCF-style: chr1-186147722-C-T.
Other names: short protein forms A5373V.
Identifiers: ClinVar variation 2020036 (VCV002020036.4), dbSNP rs2528262832, ClinGen allele CA343938319.